The following is an entry in ClinVar:

ClinVar aggregate classification (germline): Uncertain significance. Review status: criteria provided, multiple submitters, no conflicts (2 of 4 stars). 4 submissions from 4 submitters: Uncertain significance (3). 1 of the submissions does not count toward it. Last evaluated 2024-12-09.

Conditions:
Familial melanoma. Also called: Hereditary melanoma; Hereditary cutaneous melanoma. Identifiers: Orphanet 618, MedGen C1512419, MONDO:0018961.
Hereditary cancer-predisposing syndrome. Also called: Hereditary Cancer Syndrome; Neoplastic Syndromes, Hereditary; Tumor predisposition; Hereditary neoplastic syndrome. Identifiers: Orphanet 140162, MedGen C0027672, MeSH D009386, MONDO:0015356.
Melanoma-pancreatic cancer syndrome. Identifiers: Orphanet 404560, MedGen C1838547, MONDO:0011713, OMIM 606719. Disease mechanism: loss of function.

Allele frequency attached by ClinVar (database versions not stated): TOPMed below 0.00001.

Submissions (4):

Ambry Genetics
Classification: Uncertain significance for Hereditary cancer-predisposing syndrome. Last evaluated: 2024-12-09. Review status: criteria provided, single submitter. Criteria: Ambry Variant Classification Scheme 2023. Collection method: clinical testing. Allele origin: germline.
Comment: The p.C15R variant (also known as c.43T>C), located in coding exon 1 of the CDKN2A (p14ARF) gene, results from a T to C substitution at nucleotide position 43. The cysteine at codon 15 is replaced by arginine, an amino acid with highly dissimilar properties. This amino acid position is not well conserved on limited sequence alignment. Based on the available evidence, the clinical significance of this variant remains unclear.

Myriad Genetics, Inc.
Classification: Uncertain significance for Melanoma-pancreatic cancer syndrome. Last evaluated: 2023-04-21. Review status: criteria provided, single submitter. Criteria: Myriad Autosomal Dominant, Autosomal Recessive and X-Linked Classification Criteria (2023). Collection method: clinical testing. Allele origin: unknown.
Comment: This variant is classified as a variant of uncertain significance as there is insufficient evidence to determine its impact on protein function and/or cancer risk.

Labcorp Genetics (formerly Invitae), Labcorp
Classification: Uncertain significance for Familial melanoma. Last evaluated: 2021-11-24. Review status: criteria provided, single submitter. Criteria: Invitae Variant Classification Sherloc (09022015). Collection method: clinical testing. Allele origin: germline.
Comment: This sequence change replaces cysteine, which is neutral and slightly polar, with arginine, which is basic and polar, at codon 15 of the CDKN2A (p14ARF) protein (p.Cys15Arg). This variant is not present in population databases (gnomAD no frequency). This variant has not been reported in the literature in individuals affected with CDKN2A (p14ARF)-related conditions. ClinVar contains an entry for this variant (Variation ID: 548785). Algorithms developed to predict the effect of missense changes on protein structure and function output the following: SIFT: "Tolerated"; PolyPhen-2: "Probably Damaging"; Align-GVGD: "Class C0". The arginine amino acid residue is found in multiple mammalian species, which suggests that this missense change does not adversely affect protein function. In summary, the available evidence is currently insufficient to determine the role of this variant in disease. Therefore, it has been classified as a Variant of Uncertain Significance.

Counsyl
Classification: Uncertain significance for Melanoma-pancreatic cancer syndrome. Last evaluated: 2017-08-30. Review status: no assertion criteria provided. Collection method: clinical testing. Allele origin: unknown. Not counted in ClinVar's aggregate classification.

NM_058195.4(CDKN2A):c.43T>C (p.Cys15Arg)

Gene: CDKN2A (cyclin dependent kinase inhibitor 2A; minus strand). Cytogenetic location: 9p21.3.
Variant type: single nucleotide variant.
Coding change: c.43T>C on transcript NM_058195.4 (MANE Plus Clinical); coding-DNA position 43, T replaced by C.
Protein change: p.Cys15Arg; replaces cysteine 15 with arginine.
Molecular consequence: missense variant. On other transcripts: intron variant (1).
Genome position (GRCh38, 1-based): chr9:21,994,289, A>G on the plus strand (T>C on the coding strand, the complement: CDKN2A is on the minus strand). VCF-style: chr9-21994289-A-G. GRCh37 (hg19) VCF-style: chr9-21994288-A-G.
Other names: c.-4+532T>C (NM_001363763.2); short protein forms C15R.
Identifiers: ClinVar variation 548785 (VCV000548785.10), dbSNP rs1554659236, ClinGen allele CA373087056.